The following is an entry in ClinVar:

ClinVar aggregate classification (germline): Pathogenic (1 of 4 stars; one submission).

Conditions:
Baller-Gerold syndrome (BGS). Also called: CRANIOSYNOSTOSIS WITH RADIAL DEFECTS. Identifiers: Orphanet 1225, MedGen C0265308, MONDO:0009039, OMIM 218600.

gnomAD v4.1: 5 of 1,612,032 alleles (0.00031%); highest among the groups gnomAD compares: Non-Finnish European, 0.00042%; no homozygotes.

Submission:

Labcorp Genetics (formerly Invitae), Labcorp
Classification: Pathogenic for Baller-Gerold syndrome. Last evaluated: 2024-10-05. Review status: criteria provided, single submitter. Criteria: Invitae Variant Classification Sherloc (09022015). Collection method: clinical testing. Allele origin: germline.
Comment: This sequence change creates a premature translational stop signal (p.Gln1060*) in the RECQL4 gene. It is expected to result in an absent or disrupted protein product. Loss-of-function variants in RECQL4 are known to be pathogenic (PMID: 12734318, 12952869). This variant is not present in population databases (gnomAD no frequency). This variant has not been reported in the literature in individuals affected with RECQL4-related conditions. For these reasons, this variant has been classified as Pathogenic.

Literature cited by the submitters: PubMed 12734318; PubMed 12952869.

NM_004260.4(RECQL4):c.3178C>T (p.Gln1060Ter)

Gene: RECQL4 (RecQ like helicase 4; minus strand). Cytogenetic location: 8q24.3.
Variant type: single nucleotide variant.
Coding change: c.3178C>T on transcript NM_004260.4 (MANE Select); coding-DNA position 3178, C replaced by T.
Protein change: p.Gln1060Ter; replaces glutamine 1060 with a stop codon.
Molecular consequence: nonsense. On other transcripts: non-coding transcript variant (3).
Genome position (GRCh38, 1-based): chr8:144,512,202, G>A on the plus strand (C>T on the coding strand, the complement: RECQL4 is on the minus strand). VCF-style: chr8-144512202-G-A. GRCh37 (hg19) VCF-style: chr8-145737585-G-A.
Other names: c.2884C>T, p.Gln962Ter (NM_001413017.1); c.2980C>T, p.Gln994Ter (NM_001413018.1); c.3253C>T, p.Gln1085Ter (NM_001413019.1); c.3082C>T, p.Gln1028Ter (NM_001413020.1); c.2107C>T, p.Gln703Ter (NM_001413021.1, NM_001413022.1, NM_001413024.1 and 4 more transcripts); c.2182C>T, p.Gln728Ter (NM_001413023.1); c.3049C>T, p.Gln1017Ter (NM_001413025.1); c.2041C>T, p.Gln681Ter (NM_001413027.1, NM_001413030.1, NM_001413032.1); and 9 more; short protein forms Q1016*, Q1017*, Q1028*, Q1050*, Q1060*, Q1085*, Q571*, Q637*.
Identifiers: ClinVar variation 3624759 (VCV003624759.2).
Genomic context (GRCh38, chr8:144,512,202, plus strand): 5'-ACCTGTGAAAGGCCTGGAAGGTTCTGCGCAGACGGGCCAGGGCCTGGCGCTCCCGGGCCT[G>A]CACACGGCCATAGAGGAAGTCACATATCTGGTCCTTCTCCTCAGCGGTCAAGTCCCCCGG-3'